The following is an entry in ClinVar:

NM_005120.3(MED12):c.137A>C (p.Asn46Thr)

Gene: MED12 (mediator complex subunit 12; plus strand). Cytogenetic location: Xq13.1.
Variant type: single nucleotide variant.
Coding change: c.137A>C on transcript NM_005120.3 (MANE Select); coding-DNA position 137, A replaced by C.
Protein change: p.Asn46Thr; replaces asparagine 46 with threonine.
Molecular consequence: missense variant.
Genome position (GRCh38, 1-based): chrX:71,119,410, A>C. VCF-style: chrX-71119410-A-C. GRCh37 (hg19) VCF-style: chrX-70339260-A-C.
Other names: short protein forms N46T.
Identifiers: ClinVar variation 1771243 (VCV001771243.5), dbSNP rs769095144, ClinGen allele CA413498693.
Genomic context (GRCh38, chrX:71,119,410, plus strand): 5'-TAAACGCCGCTTTCCTGCCTCAGGATGAACTGACGGCCTTGAATGTAAAACAAGGTTTCA[A>C]TAACCAGCCTGCTGTCTCTGGGGATGAGCATGGCAGTGCCAAGAACGTCAGCTTCAATCC-3'
Protein context (NP_005111.2, residues 36-56): LTALNVKQGF[Asn46Thr]NQPAVSGDEH

ClinVar aggregate classification (germline): Uncertain significance. Review status: criteria provided, multiple submitters, no conflicts (2 of 4 stars). 2 submissions from 2 submitters: Uncertain significance (2). Last evaluated 2024-04-08.

Conditions:
FG syndrome (FGS). Identifiers: MedGen C0220769, MONDO:0002010.
Familial thoracic aortic aneurysm and aortic dissection (TAAD). Also called: Thoracic aortic aneurysms and dissections. Identifiers: Orphanet 91387, MedGen C4707243, MONDO:0019625.

Submissions (2):

Labcorp Genetics (formerly Invitae), Labcorp
Classification: Uncertain significance for FG syndrome. Last evaluated: 2024-04-08. Review status: criteria provided, single submitter. Criteria: Invitae Variant Classification Sherloc (09022015). Collection method: clinical testing. Allele origin: germline.
Comment: This sequence change replaces asparagine, which is neutral and polar, with threonine, which is neutral and polar, at codon 46 of the MED12 protein (p.Asn46Thr). This variant is not present in population databases (gnomAD no frequency). This variant has not been reported in the literature in individuals affected with MED12-related conditions. ClinVar contains an entry for this variant (Variation ID: 1771243). Advanced modeling of protein sequence and biophysical properties (such as structural, functional, and spatial information, amino acid conservation, physicochemical variation, residue mobility, and thermodynamic stability) performed at Invitae indicates that this missense variant is not expected to disrupt MED12 protein function with a negative predictive value of 95%. In summary, the available evidence is currently insufficient to determine the role of this variant in disease. Therefore, it has been classified as a Variant of Uncertain Significance.

Ambry Genetics
Classification: Uncertain significance for Familial thoracic aortic aneurysm and aortic dissection. Last evaluated: 2018-11-01. Review status: criteria provided, single submitter. Criteria: Ambry Variant Classification Scheme 2023. Collection method: clinical testing. Allele origin: germline.
Comment: The p.N46T variant (also known as c.137A>C), located in coding exon 2 of the MED12 gene, results from an A to C substitution at nucleotide position 137. The asparagine at codon 46 is replaced by threonine, an amino acid with similar properties. This amino acid position is highly conserved in available vertebrate species. In addition, this alteration is predicted to be tolerated by in silico analysis. Since supporting evidence is limited at this time, the clinical significance of this alteration remains unclear.